The following is an entry in ClinVar:

ClinVar aggregate classification (germline): Uncertain significance (1 of 4 stars; one submission).

gnomAD v4.1: 1 of 1,612,978 alleles (0.000062%); highest among the groups gnomAD compares: Non-Finnish European, 0.000085%; no homozygotes.

Submission:

Labcorp Genetics (formerly Invitae), Labcorp
Classification: Uncertain significance. Last evaluated: 2024-05-17. Review status: criteria provided, single submitter. Criteria: Invitae Variant Classification Sherloc (09022015). Collection method: clinical testing. Allele origin: germline.
Comment: This sequence change replaces glycine, which is neutral and non-polar, with arginine, which is basic and polar, at codon 209 of the SMAD2 protein (p.Gly209Arg). This variant is not present in population databases (gnomAD no frequency). This variant has not been reported in the literature in individuals affected with SMAD2-related conditions. Advanced modeling of protein sequence and biophysical properties (such as structural, functional, and spatial information, amino acid conservation, physicochemical variation, residue mobility, and thermodynamic stability) performed at Invitae indicates that this missense variant is not expected to disrupt SMAD2 protein function with a negative predictive value of 80%. In summary, the available evidence is currently insufficient to determine the role of this variant in disease. Therefore, it has been classified as a Variant of Uncertain Significance.

NM_005901.6(SMAD2):c.625G>A (p.Gly209Arg)

Gene: SMAD2 (SMAD family member 2; minus strand). Cytogenetic location: 18q21.1.
Variant type: single nucleotide variant.
Coding change: c.625G>A on transcript NM_005901.6 (MANE Select); coding-DNA position 625, G replaced by A.
Protein change: p.Gly209Arg; replaces glycine 209 with arginine.
Molecular consequence: missense variant.
Genome position (GRCh38, 1-based): chr18:47,868,353, C>T on the plus strand (G>A on the coding strand, the complement: SMAD2 is on the minus strand). VCF-style: chr18-47868353-C-T. GRCh37 (hg19) VCF-style: chr18-45394724-C-T.
Other names: c.625G>A, p.Gly209Arg (NM_001003652.4); c.535G>A, p.Gly179Arg (NM_001135937.3); short protein forms G209R, G179R.
Identifiers: ClinVar variation 3652015 (VCV003652015.2).